The following is an entry in ClinVar:

ClinVar aggregate classification (germline): Uncertain significance (1 of 4 stars; one submission).

Conditions:
Inborn genetic diseases. Identifiers: MedGen C0950123, MeSH D030342.

gnomAD v4.1: 1 of 1,613,818 alleles (0.000062%); highest among the groups gnomAD compares: Non-Finnish European, 0.000085%; no homozygotes.

Submission:

Ambry Genetics
Classification: Uncertain significance for Inborn genetic diseases. Last evaluated: 2025-12-22. Review status: criteria provided, single submitter. Criteria: Ambry Variant Classification Scheme 2023. Collection method: clinical testing. Allele origin: germline.
Comment: The p.D229E variant (also known as c.687C>G), located in coding exon 7 of the FANCA gene, results from a C to G substitution at nucleotide position 687. The aspartic acid at codon 229 is replaced by glutamic acid, an amino acid with highly similar properties. This amino acid position is conserved. In addition, this alteration is predicted to be tolerated by in silico analysis. Based on the available evidence, the clinical significance of this variant remains unclear.

NM_000135.4(FANCA):c.687C>G (p.Asp229Glu)

Gene: FANCA (FA complementation group A; minus strand). Cytogenetic location: 16q24.3.
Variant type: single nucleotide variant.
Coding change: c.687C>G on transcript NM_000135.4 (MANE Select); coding-DNA position 687, C replaced by G.
Protein change: p.Asp229Glu; replaces aspartic acid 229 with glutamic acid.
Molecular consequence: missense variant.
Genome position (GRCh38, 1-based): chr16:89,805,302, G>C on the plus strand (C>G on the coding strand, the complement: FANCA is on the minus strand). VCF-style: chr16-89805302-G-C. GRCh37 (hg19) VCF-style: chr16-89871710-G-C.
Other names: c.687C>G, p.Asp229Glu (NM_001018112.3, NM_001286167.3); c.591C>G, p.Asp197Glu (NM_001351830.2); short protein forms D229E, D197E.
Identifiers: ClinVar variation 4843019 (VCV004843019.1).
Genomic context (GRCh38, chr16:89,805,302, plus strand): 5'-AGTTTTACCCAAGAACCCGCATCTTGTCATGAACGCACCAGAAAGCATGGCCCTGGCGAC[G>C]TCAGCATGCTGGCAGGATGCTTCCATCTGTTCACAAAGGCAGCACAGATTCCTGAAGAGC-3'
Protein context (NP_000126.2, residues 219-239): EQMEASCQHA[Asp229Glu]VARAMLSDFV